The following is an entry in ClinVar:

ClinVar aggregate classification (germline): Uncertain significance (1 of 4 stars; one submission).

Conditions:
SCN11A-related disorder. Also called: SCN11A-related condition.

gnomAD v4.1: 2 of 1,614,136 alleles (0.00012%); highest among the groups gnomAD compares: African/African-American, 0.0027%; no homozygotes.

Submission:

PreventionGenetics, part of Exact Sciences
Classification: Uncertain significance for SCN11A-related condition. Last evaluated: 2026-07-10. Review status: criteria provided, single submitter. Criteria: ACMG Guidelines, 2015. Collection method: clinical testing. Allele origin: germline.
Comment: The SCN11A c.2286C>G variant is predicted to result in the amino acid substitution p.Phe762Leu. To our knowledge, this variant has not been reported in the literature. This variant is reported in 0.0062% of alleles in individuals of African descent in gnomAD. At this time, the clinical significance of this variant is uncertain due to the absence of conclusive functional and genetic evidence.

NM_001349253.2(SCN11A):c.2286C>G (p.Phe762Leu)

Gene: SCN11A (sodium voltage-gated channel alpha subunit 11; minus strand). Cytogenetic location: 3p22.2.
Variant type: single nucleotide variant.
Coding change: c.2286C>G on transcript NM_001349253.2 (MANE Select); coding-DNA position 2286, C replaced by G.
Protein change: p.Phe762Leu; replaces phenylalanine 762 with leucine.
Molecular consequence: missense variant.
Genome position (GRCh38, 1-based): chr3:38,896,962, G>C on the plus strand (C>G on the coding strand, the complement: SCN11A is on the minus strand). VCF-style: chr3-38896962-G-C. GRCh37 (hg19) VCF-style: chr3-38938453-G-C.
Other names: c.2286C>G, p.Phe762Leu (NM_014139.3); short protein forms F762L.
Identifiers: ClinVar variation 4992393 (VCV004992393.1).
Genomic context (GRCh38, chr3:38,896,962, plus strand): 5'-TGCATTCGCTTCTTGCATACATTCCCACATATTTTCGATCCATTCCCCGCAGAGGATGCG[G>C]AATACCACTAGGAAGGAGTGCCAGAAATCCCCCATGTGCCAGTGCCGTAAACATGAGACT-3'
Protein context (NP_001336182.1, residues 752-772): GDFWHSFLVV[Phe762Leu]RILCGEWIEN